The following is an entry in ClinVar:

ClinVar aggregate classification (germline): Pathogenic/Likely pathogenic. Review status: criteria provided, multiple submitters, no conflicts (2 of 4 stars). 4 submissions from 4 submitters: Pathogenic (2); Likely pathogenic (2). Last evaluated 2025-12-26.

Conditions:
Glycogen storage disease IXa1. Also called: LIVER GLYCOGENOSIS, X-LINKED, TYPE I; GLYCOGEN STORAGE DISEASE VIII; GSD VIII; Glycogen storage disease 8. Identifiers: Orphanet 264580, MedGen C3694531, MONDO:0010598, OMIM 306000.

Allele frequency attached by ClinVar (database versions not stated): gnomAD exomes below 0.00001.

Submissions (4):

Kasturba Medical College, Manipal, Kasturba Medical College, Manipal, Manipal Academy of Higher Education, Manipal, India
Classification: Likely pathogenic for Glycogen storage disease IXa1. Last evaluated: 2025-12-26. Review status: criteria provided, single submitter. Criteria: ACMG Guidelines, 2015. Collection method: research. Allele origin: maternal. Inheritance: X-linked recessive inheritance. Affected: yes. Observed: 1 variant allele, 1 hemizygote.
Comment: This variant is present in one individual in heterozygous state and absent in hemizygous/homozygous state in gnomAD (v4.1.0). It has not been reported in our in-house database of 3896 exomes. In-silico prediction tools (CADD_Phred and REVEL) are consistent in predicting the variant to be damaging to the PHKA2 protein structure and function.

GeneDx
Classification: Pathogenic. Last evaluated: 2022-08-04. Review status: criteria provided, single submitter. Criteria: GeneDx Variant Classification Process June 2021. Collection method: clinical testing. Allele origin: germline.
Comment: Not observed at significant frequency in large population cohorts (gnomAD); In silico analysis supports that this missense variant has a deleterious effect on protein structure/function; This variant is associated with the following publications: (PMID: 28627441, 21646031, 23578772, 22899091, 28283841, 31725618, 25070466)

Labcorp Genetics (formerly Invitae), Labcorp
Classification: Pathogenic for Glycogen storage disease IXa1. Last evaluated: 2021-09-17. Review status: criteria provided, single submitter. Criteria: Invitae Variant Classification Sherloc (09022015). Collection method: clinical testing. Allele origin: germline.
Comment: This missense change has been observed in individuals with glycogen storage disease (PMID: 21646031, 22899091, 25070466, 28627441; Invitae). For these reasons, this variant has been classified as Pathogenic. This variant disrupts the p.Arg45 amino acid residue in PHKA2. Other variant(s) that disrupt this residue have been observed in individuals with PHKA2-related conditions (PMID: 28627441), which suggests that this may be a clinically significant amino acid residue. Algorithms developed to predict the effect of missense changes on protein structure and function (SIFT, PolyPhen-2, Align-GVGD) all suggest that this variant is likely to be disruptive. This variant is not present in population databases (ExAC no frequency). This sequence change replaces arginine with tryptophan at codon 45 of the PHKA2 protein (p.Arg45Trp). The arginine residue is highly conserved and there is a moderate physicochemical difference between arginine and tryptophan.

Mendelics
Classification: Likely pathogenic for Glycogen storage disease IXa1. Last evaluated: 2019-05-28. Review status: criteria provided, single submitter. Criteria: Mendelics Assertion Criteria 2017. Collection method: clinical testing. Allele origin: unknown.

Literature cited by the submitters: PMC PMC6867740 (cited by Kasturba Medical College, Manipal, Kasturba Medical College, Manipal, Manipal Academy of Higher Education, Manipal, India); PubMed 21646031 (cited by Labcorp Genetics (formerly Invitae), Labcorp); PubMed 22899091 (cited by Labcorp Genetics (formerly Invitae), Labcorp); PubMed 25070466 (cited by Labcorp Genetics (formerly Invitae), Labcorp); PubMed 28627441 (cited by Labcorp Genetics (formerly Invitae), Labcorp).

NM_000292.3(PHKA2):c.133C>T (p.Arg45Trp)

Gene: PHKA2 (phosphorylase kinase regulatory subunit alpha 2; minus strand). Cytogenetic location: Xp22.13.
Variant type: single nucleotide variant.
Coding change: c.133C>T on transcript NM_000292.3 (MANE Select); coding-DNA position 133, C replaced by T.
Protein change: p.Arg45Trp; replaces arginine 45 with tryptophan.
Molecular consequence: missense variant.
Genome position (GRCh38, 1-based): chrX:18,954,358, G>A on the plus strand (C>T on the coding strand, the complement: PHKA2 is on the minus strand). VCF-style: chrX-18954358-G-A. GRCh37 (hg19) VCF-style: chrX-18972476-G-A.
Other names: short protein forms R45W.
Identifiers: ClinVar variation 644261 (VCV000644261.13), dbSNP rs1601781031, ClinGen allele CA412377700.